The following is an entry in ClinVar:

ClinVar aggregate classification (germline): Uncertain significance (1 of 4 stars; one submission).

Conditions:
Dyskeratosis congenita. Identifiers: Orphanet 1775, MedGen C0265965, MONDO:0015780.

Submission:

Labcorp Genetics (formerly Invitae), Labcorp
Classification: Uncertain significance for Dyskeratosis congenita. Last evaluated: 2024-07-22. Review status: criteria provided, single submitter. Criteria: Invitae Variant Classification Sherloc (09022015). Collection method: clinical testing. Allele origin: germline.
Comment: This sequence change replaces lysine, which is basic and polar, with threonine, which is neutral and polar, at codon 1164 of the CTC1 protein (p.Lys1164Thr). This variant is not present in population databases (gnomAD no frequency). This variant has not been reported in the literature in individuals affected with CTC1-related conditions. ClinVar contains an entry for this variant (Variation ID: 2000483). An algorithm developed to predict the effect of missense changes on protein structure and function (PolyPhen-2) suggests that this variant is likely to be disruptive. In summary, the available evidence is currently insufficient to determine the role of this variant in disease. Therefore, it has been classified as a Variant of Uncertain Significance.

NM_025099.6(CTC1):c.3491A>C (p.Lys1164Thr)

Gene: CTC1 (CST telomere replication complex component 1; minus strand). Cytogenetic location: 17p13.1.
Variant type: single nucleotide variant.
Coding change: c.3491A>C on transcript NM_025099.6 (MANE Select); coding-DNA position 3491, A replaced by C.
Protein change: p.Lys1164Thr; replaces lysine 1164 with threonine.
Molecular consequence: missense variant. On other transcripts: non-coding transcript variant (1).
Genome position (GRCh38, 1-based): chr17:8,228,526, T>G on the plus strand (A>C on the coding strand, the complement: CTC1 is on the minus strand). VCF-style: chr17-8228526-T-G. GRCh37 (hg19) VCF-style: chr17-8131844-T-G.
Other names: c.3260A>C, p.Lys1087Thr (NM_001411067.1); short protein forms K1087T, K1164T.
Identifiers: ClinVar variation 2000483 (VCV002000483.4), dbSNP rs2507862025, ClinGen allele CA397968225.
Genomic context (GRCh38, chr17:8,228,526, plus strand): 5'-CCCCCTATCATCATGATCCCCCCGTCTCCAACCTTACCTAATGGGACGATCTTCGACGGT[T>G]TCCTTTCCAGCTCAAAAGAAAGCACAATAGGACGGAGGACAGAGGGGCTAGTACAAAGTG-3'
Protein context (NP_079375.3, residues 1154-1174): PIVLSFELER[Lys1164Thr]PSKIVPLEPP